The following is an entry in ClinVar:

ClinVar aggregate classification (germline): Uncertain significance (1 of 4 stars; one submission).

Submission:

Labcorp Genetics (formerly Invitae), Labcorp
Classification: Uncertain significance. Last evaluated: 2021-08-27. Review status: criteria provided, single submitter. Criteria: Invitae Variant Classification Sherloc (09022015). Collection method: clinical testing. Allele origin: germline.
Comment: This sequence change replaces alanine with glycine at codon 41 of the EIF2AK3 protein (p.Ala41Gly). The alanine residue is weakly conserved and there is a small physicochemical difference between alanine and glycine. The frequency data for this variant in the population databases is considered unreliable, as metrics indicate insufficient coverage at this position in the ExAC database. This variant has not been reported in the literature in individuals affected with EIF2AK3-related conditions. Algorithms developed to predict the effect of missense changes on protein structure and function are either unavailable or do not agree on the potential impact of this missense change (SIFT: "Tolerated"; PolyPhen-2: "Not Available"; Align-GVGD: "Class C0"). In summary, the available evidence is currently insufficient to determine the role of this variant in disease. Therefore, it has been classified as a Variant of Uncertain Significance.

NM_004836.7(EIF2AK3):c.122C>G (p.Ala41Gly)

Gene: EIF2AK3 (eukaryotic translation initiation factor 2 alpha kinase 3; minus strand). Cytogenetic location: 2p11.2.
Variant type: single nucleotide variant.
Coding change: c.122C>G on transcript NM_004836.7 (MANE Select); coding-DNA position 122, C replaced by G.
Protein change: p.Ala41Gly; replaces alanine 41 with glycine.
Molecular consequence: missense variant.
Genome position (GRCh38, 1-based): chr2:88,627,153, G>C on the plus strand (C>G on the coding strand, the complement: EIF2AK3 is on the minus strand). VCF-style: chr2-88627153-G-C. GRCh37 (hg19) VCF-style: chr2-88926671-G-C.
Other names: short protein forms A41G.
Identifiers: ClinVar variation 1026924 (VCV001026924.6), dbSNP rs1675886949, ClinGen allele CA347763437.